The following is an entry in ClinVar:

ClinVar aggregate classification (germline): Uncertain significance. Review status: criteria provided, multiple submitters, no conflicts (2 of 4 stars). 2 submissions from 2 submitters: Uncertain significance (2). Last evaluated 2026-02-07.

Conditions:
Inborn genetic diseases. Identifiers: MedGen C0950123, MeSH D030342.

gnomAD v4.1: 4 of 1,613,468 alleles (0.00025%); highest among the groups gnomAD compares: Non-Finnish European, 0.00034%; no homozygotes.

Submissions (2):

GeneDx
Classification: Uncertain significance. Last evaluated: 2026-02-07. Review status: criteria provided, single submitter. Criteria: GeneDx Variant Classification Process June 2021. Collection method: clinical testing. Allele origin: germline.
Comment: Not observed at significant frequency in large population cohorts (gnomAD); In silico analysis supports that this missense variant has a deleterious effect on protein structure/function; Has not been previously published as pathogenic or benign to our knowledge

Ambry Genetics
Classification: Uncertain significance for Inborn genetic diseases. Last evaluated: 2025-11-03. Review status: criteria provided, single submitter. Criteria: Ambry Variant Classification Scheme 2023. Collection method: clinical testing. Allele origin: germline.

NM_006593.4(TBR1):c.859T>C (p.Tyr287His)

Gene: TBR1 (T-box brain transcription factor 1; plus strand). Cytogenetic location: 2q24.2.
Variant type: single nucleotide variant.
Coding change: c.859T>C on transcript NM_006593.4 (MANE Select); coding-DNA position 859, T replaced by C.
Protein change: p.Tyr287His; replaces tyrosine 287 with histidine.
Molecular consequence: missense variant.
Genome position (GRCh38, 1-based): chr2:161,418,212, T>C. VCF-style: chr2-161418212-T-C. GRCh37 (hg19) VCF-style: chr2-162274723-T-C.
Other names: short protein forms Y287H.
Identifiers: ClinVar variation 4632778 (VCV004632778.2).